The following is an entry in ClinVar:

ClinVar aggregate classification (germline): Conflicting classifications of pathogenicity. Review status: criteria provided, conflicting classifications (1 of 4 stars). 9 submissions from 9 submitters: Uncertain significance (2); Likely benign (5). 2 of the submissions do not count toward it. Last evaluated 2026-08-01.

Conditions:
Hereditary spastic paraplegia. Also called: Familial spastic paraparesis. Identifiers: Orphanet 685, MedGen C0037773, MONDO:0019064. Disease mechanism: loss of function.
Hereditary spastic paraplegia 4. Also called: Spastic paraplegia 4, autosomal dominant; Familial spastic paraplegia autosomal dominant 2; Spastic Paraplegia 4. Identifiers: Orphanet 100985, MedGen C1866855, MONDO:0008438, OMIM 182601.
Spastic paraplegia 4, modifier of.

Allele frequency attached by ClinVar (database versions not stated): TOPMed 0.00039; gnomAD exomes 0.00087 and 0.00039; gnomAD 0.00063 and 0.00062; ExAC 0.00028.

Submissions (9):

CeGaT Center for Human Genetics Tuebingen
Classification: Likely benign. Last evaluated: 2026-08-01. Review status: criteria provided, single submitter. Criteria: CeGaT Center For Human Genetics Tuebingen Variant Classification Criteria Version 2. Collection method: clinical testing. Allele origin: germline. Affected: yes. Observed: 5 variant alleles.
Comment: SPAST: PP3, BS1

Labcorp Genetics (formerly Invitae), Labcorp
Classification: Likely benign for Hereditary spastic paraplegia 4. Last evaluated: 2025-11-17. Review status: criteria provided, single submitter. Criteria: Invitae Variant Classification Sherloc (09022015). Collection method: clinical testing. Allele origin: germline.

Blueprint Genetics
Classification: Likely benign. Last evaluated: 2024-11-11. Review status: criteria provided, single submitter. Criteria: ACMG Guidelines, 2015. Collection method: clinical testing. Allele origin: germline.

Athena Diagnostics
Classification: Likely benign. Last evaluated: 2024-07-15. Review status: criteria provided, single submitter. Criteria: Athena Diagnostics Criteria. Collection method: clinical testing. Allele origin: unknown.

GeneDx
Classification: Likely benign. Last evaluated: 2020-09-25. Review status: criteria provided, single submitter. Criteria: GeneDx Variant Classification Process June 2021. Collection method: clinical testing. Allele origin: germline. Affected: yes.
Comment: Identified in an adult with pure HSP who also harbored a nonsense variant. Authors predict P45Q may act as a phenotype modifier when occurring in the presence of another spastin mutation (McDermott et al., 2006); Reported previously in multiple members of one family (Svenson et al., 2004). Two of the family members were affected with hereditary spastic paraplegia and two of the family members were asymptomatic (Svenson et al., 2004); This variant is associated with the following publications: (PMID: 30834979, 16832076, 20301339, 19730024, 15248095)

Genome Diagnostics Laboratory, The Hospital for Sick Children
Classification: Uncertain significance for Hereditary spastic paraplegia. Last evaluated: 2019-03-01. Review status: criteria provided, single submitter. Criteria: ACMG Guidelines, 2015. Collection method: clinical testing. Allele origin: germline. Affected: yes.

Illumina Laboratory Services, Illumina
Classification: Uncertain significance for Hereditary spastic paraplegia 4. Last evaluated: 2017-04-27. Review status: criteria provided, single submitter. Criteria: ICSL Variant Classification Criteria 13 December 2019. Collection method: clinical testing. Allele origin: germline.
Comment: This variant was observed as part of a predisposition screen in an ostensibly healthy population. A literature search was performed for the gene, cDNA change, and amino acid change (where applicable). Publications were found based on this search. However, the evidence from the literature, in combination with allele frequency data from public databases where available, was not sufficient to rule this variant in or out of causing disease. Therefore, this variant is classified as a variant of unknown significance.

OMIM
Classification: risk factor for SPASTIC PARAPLEGIA 4, MODIFIER OF. Last evaluated: 2004-09-01. Review status: no assertion criteria provided. Collection method: literature only. Allele origin: germline. Not counted in ClinVar's aggregate classification.

GeneReviews
No classification provided. Condition: Hereditary spastic paraplegia 4. Review status: no classification provided. Collection method: literature only. Allele origin: germline. Not counted in ClinVar's aggregate classification.

Literature cited by the submitters: PubMed 27334366 (cited by Athena Diagnostics); PubMed 20491894 (cited by Athena Diagnostics); PubMed 15248095 (cited by 4 submitters); PubMed 16832076 (cited by 3 submitters); PubMed 18613979 (cited by Athena Diagnostics and Illumina Laboratory Services, Illumina); PubMed 19730024 (cited by Athena Diagnostics); PubMed 20154342 (cited by Athena Diagnostics); PubMed 20718791 (cited by Athena Diagnostics and Illumina Laboratory Services, Illumina); PubMed 17916079 (cited by Athena Diagnostics); PubMed 20301339 (cited by GeneReviews).

NM_014946.4(SPAST):c.134C>A (p.Pro45Gln)

Gene: SPAST (spastin; plus strand). Cytogenetic location: 2p22.3.
Variant type: single nucleotide variant.
Coding change: c.134C>A on transcript NM_014946.4 (MANE Select); coding-DNA position 134, C replaced by A.
Protein change: p.Pro45Gln; replaces proline 45 with glutamine.
Molecular consequence: missense variant.
Genome position (GRCh38, 1-based): chr2:32,063,965, C>A. VCF-style: chr2-32063965-C-A. GRCh37 (hg19) VCF-style: chr2-32289034-C-A.
Other names: c.134C>A, p.Pro45Gln (NM_001363823.2, NM_001363875.2, NM_001377959.1 and 1 more transcripts); short protein forms P45Q.
Identifiers: ClinVar variation 5672 (VCV000005672.66), dbSNP rs121908517, ClinGen allele CA117671.
Genomic context (GRCh38, chr2:32,063,965, plus strand): 5'-CGCCCCCTTGCCTGGCCCCCGCCCCTCCCGCCGCCGGGCCGGCCCCTCCGCCCGAGTCGC[C>A]GCATAAGCGGAACCTGTACTATTTCTCCTACCCGCTGTTTGTAGGCTTCGCGCTGCTGCG-3'
Protein context (NP_055761.2, residues 35-55): AAGPAPPPES[Pro45Gln]HKRNLYYFSY